The following is an entry in ClinVar:

NM_001458.5(FLNC):c.5418G>A (p.Ser1806=)

Genes: FLNC (filamin C; plus strand), FLNC-AS1 (FLNC antisense RNA 1; minus strand). Cytogenetic location: 7q32.1.
Variant type: single nucleotide variant.
Coding change: c.5418G>A on transcript NM_001458.5 (MANE Select); coding-DNA position 5418, G replaced by A.
Protein change: p.Ser1806=; no amino-acid change (serine 1806 retained).
Molecular consequence: synonymous variant.
Genome position (GRCh38, 1-based): chr7:128,850,822, G>A. VCF-style: chr7-128850822-G-A. GRCh37 (hg19) VCF-style: chr7-128490876-G-A.
Other names: p.Ser1806=; c.5319G>A, p.Ser1773= (NM_001127487.2).
Identifiers: ClinVar variation 290873 (VCV000290873.28), dbSNP rs376078394, ClinGen allele CA4475691.

ClinVar aggregate classification (germline): Conflicting classifications of pathogenicity. Review status: criteria provided, conflicting classifications (1 of 4 stars). 12 submissions from 12 submitters: Uncertain significance (1); Benign (3); Likely benign (4). 4 of the submissions do not count toward it. Last evaluated 2026-01-27.

Conditions:
Cardiovascular phenotype. Identifiers: MedGen CN230736.
Hypertrophic cardiomyopathy 26. Also called: Cardiomyopathy, familial hypertrophic, 26. Identifiers: Orphanet 75249, MedGen C4310749, MONDO:0014883, OMIM 617047.
Distal myopathy with posterior leg and anterior hand involvement. Also called: WILLIAMS DISTAL MYOPATHY. Identifiers: Orphanet 63273, MedGen C3279722, MONDO:0013550, OMIM 614065.
Myofibrillar myopathy 5. Also called: Filaminopathy (type); FILAMINOPATHY, AUTOSOMAL DOMINANT. Identifiers: Orphanet 171445, MedGen C1836050, MONDO:0012289, OMIM 609524.

Allele frequency attached by ClinVar (database versions not stated): gnomAD exomes 0.00010 and 0.00019; ExAC 0.00025; 1000 Genomes Project 30x 0.00078; TOPMed 0.00083; ESP Exome Variant Server 0.00086; gnomAD 0.00089 and 0.00090; 1000 Genomes Project 0.00100.
gnomAD v4.1: 298 of 1,613,744 alleles (0.018%); highest among the groups gnomAD compares: African/African-American, 0.27%; 1 homozygote.

Submissions (12):

Labcorp Genetics (formerly Invitae), Labcorp
Classification: Benign for Distal myopathy with posterior leg and anterior hand involvement; Myofibrillar myopathy 5; Hypertrophic cardiomyopathy 26. Last evaluated: 2026-01-27. Review status: criteria provided, single submitter. Criteria: Invitae Variant Classification Sherloc (09022015). Collection method: clinical testing. Allele origin: germline.

Molecular Diagnostic Laboratory for Inherited Cardiovascular Disease, Montreal Heart Institute
Classification: Benign. Last evaluated: 2025-04-09. Review status: criteria provided, single submitter. Criteria: ACMG Guidelines, 2015. Collection method: clinical testing. Allele origin: germline. Affected: no.

Mayo Clinic Laboratories, Mayo Clinic
Classification: Likely benign. Last evaluated: 2025-02-16. Review status: criteria provided, single submitter. Criteria: ACMG Guidelines, 2015. Collection method: clinical testing. Allele origin: germline. Observed: 4 variant alleles.
Comment: BS1, BP4, BP7

Blueprint Genetics
Classification: Likely benign. Last evaluated: 2024-10-08. Review status: criteria provided, single submitter. Criteria: ACMG Guidelines, 2015. Collection method: clinical testing. Allele origin: germline.

Women's Health and Genetics/Laboratory Corporation of America, LabCorp
Classification: Benign. Last evaluated: 2023-08-19. Review status: criteria provided, single submitter. Criteria: LabCorp Variant Classification Summary - May 2015. Collection method: clinical testing. Allele origin: germline.

Ambry Genetics
Classification: Likely benign for Cardiovascular phenotype. Last evaluated: 2019-06-28. Review status: criteria provided, single submitter. Criteria: Ambry Variant Classification Scheme 2023. Collection method: clinical testing. Allele origin: germline.

GeneDx
Classification: Likely benign. Last evaluated: 2018-10-03. Review status: criteria provided, single submitter. Criteria: GeneDx Variant Classification Process June 2021. Collection method: clinical testing. Allele origin: germline. Affected: yes.

Eurofins Ntd Llc (ga)
Classification: Uncertain significance. Last evaluated: 2016-08-25. Review status: criteria provided, single submitter. Criteria: EGL Classification Definitions 2015. Collection method: clinical testing. Allele origin: germline. Observed: 1 variant allele, 1 heterozygote.

Clinical Genetics DNA and cytogenetics Diagnostics Lab, Erasmus MC, Erasmus Medical Center
Classification: Likely benign. Review status: no assertion criteria provided. Collection method: clinical testing. Allele origin: germline. Affected: yes. Study: VKGL Data-share Consensus. Not counted in ClinVar's aggregate classification.

Clinical Genetics, Academic Medical Center
Classification: Benign. Review status: no assertion criteria provided. Collection method: clinical testing. Allele origin: germline. Affected: yes. Study: VKGL Data-share Consensus. Not counted in ClinVar's aggregate classification.

Genome Diagnostics Laboratory, University Medical Center Utrecht
Classification: Likely benign. Review status: no assertion criteria provided. Collection method: clinical testing. Allele origin: germline. Affected: yes. Study: VKGL Data-share Consensus. Not counted in ClinVar's aggregate classification.

Joint Genome Diagnostic Labs from Nijmegen and Maastricht, Radboudumc and MUMC+
Classification: Likely benign. Review status: no assertion criteria provided. Collection method: clinical testing. Allele origin: germline. Affected: yes. Study: VKGL Data-share Consensus. Not counted in ClinVar's aggregate classification.